The following is an entry in ClinVar:

NM_000136.3(FANCC):c.558T>G (p.Val186=)

Genes: FANCC (FA complementation group C; minus strand), AOPEP (aminopeptidase O (putative); plus strand). Cytogenetic location: 9q22.32.
Variant type: single nucleotide variant.
Coding change: c.558T>G on transcript NM_000136.3 (MANE Select); coding-DNA position 558, T replaced by G.
Protein change: p.Val186=; no amino-acid change (valine 186 retained).
Molecular consequence: synonymous variant.
Genome position (GRCh38, 1-based): chr9:95,150,051, A>C on the plus strand (T>G on the coding strand, the complement: FANCC is on the minus strand). VCF-style: chr9-95150051-A-C. GRCh37 (hg19) VCF-style: chr9-97912333-A-C.
Other names: c.558T>G, p.Val186= (NM_001243743.2, NM_001243744.2).
Identifiers: ClinVar variation 668215 (VCV000668215.2), dbSNP rs1588181909, ClinGen allele CA466103327.

ClinVar aggregate classification (germline): Likely benign. Review status: criteria provided, multiple submitters, no conflicts (2 of 4 stars). 2 submissions from 2 submitters: Likely benign (2). Last evaluated 2024-01-26.

Conditions:
Hereditary cancer-predisposing syndrome. Also called: Tumor predisposition; Hereditary neoplastic syndrome; Neoplastic Syndromes, Hereditary; Hereditary Cancer Syndrome. Identifiers: Orphanet 140162, MedGen C0027672, MeSH D009386, MONDO:0015356.

Allele frequency attached by ClinVar (database versions not stated): gnomAD exomes below 0.00001.
gnomAD v4.1: 1 of 1,614,142 alleles (0.000062%); highest among the groups gnomAD compares: Non-Finnish European, 0.000085%; no homozygotes.

Submissions (2):

Ambry Genetics
Classification: Likely benign for Hereditary cancer-predisposing syndrome. Last evaluated: 2024-01-26. Review status: criteria provided, single submitter. Criteria: Ambry Variant Classification Scheme 2023. Collection method: clinical testing. Allele origin: germline.

GeneDx
Classification: Likely benign. Last evaluated: 2018-05-02. Review status: criteria provided, single submitter. Criteria: GeneDx Variant Classification (06012015). Collection method: clinical testing. Allele origin: germline. Affected: yes.
Comment: This variant is considered likely benign or benign based on one or more of the following criteria: it is a conservative change, it occurs at a poorly conserved position in the protein, it is predicted to be benign by multiple in silico algorithms, and/or has population frequency not consistent with disease.